The following is an entry in ClinVar:

ClinVar aggregate classification (germline): Uncertain significance. Review status: criteria provided, multiple submitters, no conflicts (2 of 4 stars). 3 submissions from 3 submitters: Uncertain significance (2). 1 of the submissions does not count toward it. Last evaluated 2025-08-04.

Conditions:
Hereditary cancer-predisposing syndrome. Also called: Neoplastic Syndromes, Hereditary; Hereditary Cancer Syndrome; Hereditary neoplastic syndrome; Tumor predisposition. Identifiers: Orphanet 140162, MedGen C0027672, MeSH D009386, MONDO:0015356.
Fumarase deficiency (FMRD). Also called: Fumarate Hydratase Deficiency; Fumaric aciduria. Identifiers: Orphanet 24, MedGen C0342770, MONDO:0011730, OMIM 606812.

gnomAD v4.1: 3 of 1,547,136 alleles (0.00019%); highest among the groups gnomAD compares: African/African-American, 0.0014%; no homozygotes.

Submissions (3):

Ambry Genetics
Classification: Uncertain significance for Hereditary cancer-predisposing syndrome. Last evaluated: 2025-08-04. Review status: criteria provided, single submitter. Criteria: Ambry Variant Classification Scheme 2023. Collection method: clinical testing. Allele origin: germline.
Comment: The p.P13L variant (also known as c.38C>T), located in coding exon 1 of the FH gene, results from a C to T substitution at nucleotide position 38. The proline at codon 13 is replaced by leucine, an amino acid with similar properties. This amino acid position is poorly conserved in available vertebrate species. In addition, this alteration is predicted to be tolerated by in silico analysis. Since supporting evidence is limited at this time, the clinical significance of this alteration remains unclear.

Labcorp Genetics (formerly Invitae), Labcorp
Classification: Uncertain significance. Last evaluated: 2024-11-22. Review status: criteria provided, single submitter. Criteria: Invitae Variant Classification Sherloc (09022015). Collection method: clinical testing. Allele origin: germline.
Comment: This sequence change replaces proline, which is neutral and non-polar, with leucine, which is neutral and non-polar, at codon 13 of the FH protein (p.Pro13Leu). This variant is present in population databases (no rsID available, gnomAD 0.007%). This variant has not been reported in the literature in individuals affected with FH-related conditions. ClinVar contains an entry for this variant (Variation ID: 824355). Invitae Evidence Modeling of protein sequence and biophysical properties (such as structural, functional, and spatial information, amino acid conservation, physicochemical variation, residue mobility, and thermodynamic stability) indicates that this missense variant is not expected to disrupt FH protein function with a negative predictive value of 95%. In summary, the available evidence is currently insufficient to determine the role of this variant in disease. Therefore, it has been classified as a Variant of Uncertain Significance.

Natera, Inc.
Classification: Uncertain significance for Fumarase Deficiency. Last evaluated: 2025-01-21. Review status: no assertion criteria provided. Collection method: clinical testing. Allele origin: germline. Not counted in ClinVar's aggregate classification.

NM_000143.4(FH):c.38C>T (p.Pro13Leu)

Gene: FH (fumarate hydratase; minus strand). Cytogenetic location: 1q43.
Variant type: single nucleotide variant.
Coding change: c.38C>T on transcript NM_000143.4 (MANE Select); coding-DNA position 38, C replaced by T.
Protein change: p.Pro13Leu; replaces proline 13 with leucine.
Molecular consequence: missense variant.
Genome position (GRCh38, 1-based): chr1:241,519,685, G>A on the plus strand (C>T on the coding strand, the complement: FH is on the minus strand). VCF-style: chr1-241519685-G-A. GRCh37 (hg19) VCF-style: chr1-241682985-G-A.
Other names: short protein forms P13L.
Identifiers: ClinVar variation 824355 (VCV000824355.9), dbSNP rs1190505598, ClinGen allele CA345442989.